The following is an entry in ClinVar:

NM_000453.3(SLC5A5):c.1417A>G (p.Met473Val)

Gene: SLC5A5 (solute carrier family 5 member 5; plus strand). Cytogenetic location: 19p13.11.
Variant type: single nucleotide variant.
Coding change: c.1417A>G on transcript NM_000453.3 (MANE Select); coding-DNA position 1417, A replaced by G.
Protein change: p.Met473Val; replaces methionine 473 with valine.
Molecular consequence: missense variant.
Genome position (GRCh38, 1-based): chr19:17,883,937, A>G. VCF-style: chr19-17883937-A-G. GRCh37 (hg19) VCF-style: chr19-17994746-A-G.
Other names: short protein forms M473V.
Identifiers: ClinVar variation 3340049 (VCV003340049.1).

ClinVar aggregate classification (germline): Uncertain significance (1 of 4 stars; one submission).

Submission:

Women's Health and Genetics/Laboratory Corporation of America, LabCorp
Classification: Uncertain significance. Last evaluated: 2024-06-14. Review status: criteria provided, single submitter. Criteria: LabCorp Variant Classification Summary - May 2015. Collection method: clinical testing. Allele origin: germline.
Comment: Variant summary: SLC5A5 c.1417A>G (p.Met473Val) results in a conservative amino acid change in the encoded protein sequence. Five of five in-silico tools predict a benign effect of the variant on protein function. The variant was absent in 165244 control chromosomes. The available data on variant occurrences in the general population are insufficient to allow any conclusion about variant significance. To our knowledge, no occurrence of c.1417A>G in individuals affected with Familial Thyroid Dyshormonogenesis 1 and no experimental evidence demonstrating its impact on protein function have been reported. No submitters have cited clinical-significance assessments for this variant to ClinVar. Based on the evidence outlined above, the variant was classified as uncertain significance.